The following is an entry in ClinVar:

NM_001282116.2(RFX3):c.1502C>T (p.Ser501Leu)

Gene: RFX3 (regulatory factor X3; minus strand). Cytogenetic location: 9p24.2.
Variant type: single nucleotide variant.
Coding change: c.1502C>T on transcript NM_001282116.2 (MANE Select); coding-DNA position 1502, C replaced by T.
Protein change: p.Ser501Leu; replaces serine 501 with leucine.
Molecular consequence: missense variant.
Genome position (GRCh38, 1-based): chr9:3,263,038, G>A on the plus strand (C>T on the coding strand, the complement: RFX3 is on the minus strand). VCF-style: chr9-3263038-G-A. GRCh37 (hg19) VCF-style: chr9-3263038-G-A.
Other names: c.1502C>T, p.Ser501Leu (NM_001377999.1, NM_002919.4, NM_134428.3); short protein forms S501L.
Identifiers: ClinVar variation 1699538 (VCV001699538.2), dbSNP rs1459967938, ClinGen allele CA372844225.
Genomic context (GRCh38, chr9:3,263,038, plus strand): 5'-TGGTTGATTTGGGAAGTGTTCTGAAGCACTGCACGAGCTGCCTGGGCCAGGTGATTAAGC[G>A]ACGTGTATCTTCGCAGAGTCTGGGCAAAGGCACTTACAGCGGCAACCTGTAACGCAATCC-3'
Protein context (NP_001269045.1, residues 491-511): AFAQTLRRYT[Ser501Leu]LNHLAQAARA

ClinVar aggregate classification (germline): Uncertain significance (1 of 4 stars; one submission).

gnomAD v4.1: 1 of 1,613,840 alleles (0.000062%); highest among the groups gnomAD compares: Non-Finnish European, 0.000085%; no homozygotes.

Submission:

GeneDx
Classification: Uncertain significance. Last evaluated: 2022-02-01. Review status: criteria provided, single submitter. Criteria: GeneDx Variant Classification Process June 2021. Collection method: clinical testing. Allele origin: germline. Affected: yes.
Comment: Not observed at significant frequency in large population cohorts (gnomAD); In silico analysis supports that this missense variant has a deleterious effect on protein structure/function; Has not been previously published as pathogenic or benign to our knowledge